The following is an entry in ClinVar:

ClinVar aggregate classification (germline): Pathogenic (1 of 4 stars; one submission).

Conditions:
Tuberous sclerosis 1 (TSC1). Identifiers: Orphanet 805, MedGen C1854465, MONDO:0008612, OMIM 191100.

Submission:

Labcorp Genetics (formerly Invitae), Labcorp
Classification: Pathogenic for Tuberous sclerosis 1. Last evaluated: 2019-05-25. Review status: criteria provided, single submitter. Criteria: Invitae Variant Classification Sherloc (09022015). Collection method: clinical testing. Allele origin: germline.
Comment: This sequence change creates a premature translational stop signal (p.Leu64*) in the TSC1 gene. It is expected to result in an absent or disrupted protein product. This variant is not present in population databases (ExAC no frequency). This variant has not been reported in the literature in individuals with TSC1-related conditions. Algorithms developed to predict the effect of sequence changes on RNA splicing suggest that this variant may create or strengthen a splice site, but this prediction has not been confirmed by published transcriptional studies. Loss-of-function variants in TSC1 are known to be pathogenic (PMID: 10227394, 17304050). For these reasons, this variant has been classified as Pathogenic.

Literature cited by the submitters: PubMed 10227394; PubMed 17304050.

NM_000368.5(TSC1):c.191T>A (p.Leu64Ter)

Gene: TSC1 (TSC complex subunit 1; minus strand). Cytogenetic location: 9q34.13.
Variant type: single nucleotide variant.
Coding change: c.191T>A on transcript NM_000368.5 (MANE Select); coding-DNA position 191, T replaced by A.
Protein change: p.Leu64Ter; replaces leucine 64 with a stop codon.
Molecular consequence: nonsense. On other transcripts: intron variant (1).
Genome position (GRCh38, 1-based): chr9:132,927,220, A>T on the plus strand (T>A on the coding strand, the complement: TSC1 is on the minus strand). VCF-style: chr9-132927220-A-T. GRCh37 (hg19) VCF-style: chr9-135802607-A-T.
Other names: c.191T>A, p.Leu64Ter (NM_001162426.2, NM_001162427.2); c.-153-1481T>A (NM_001362177.2); short protein forms L64*.
Identifiers: ClinVar variation 939505 (VCV000939505.7), dbSNP rs1846916239, ClinGen allele CA375375065.